The following is an entry in ClinVar:

ClinVar aggregate classification (germline): Conflicting classifications of pathogenicity. Review status: criteria provided, conflicting classifications (1 of 4 stars). 2 submissions from 2 submitters: Uncertain significance (1); Likely benign (1). Last evaluated 2025-12-16.

Allele frequency attached by ClinVar (database versions not stated): gnomAD 0.00006; TOPMed 0.00006.
gnomAD v4.1: 93 of 1,578,080 alleles (0.0059%); highest among the groups gnomAD compares: Non-Finnish European, 0.0073%; no homozygotes.

Submissions (2):

Labcorp Genetics (formerly Invitae), Labcorp
Classification: Uncertain significance. Last evaluated: 2025-12-16. Review status: criteria provided, single submitter. Criteria: Invitae Variant Classification Sherloc (09022015). Collection method: clinical testing. Allele origin: germline.
Comment: This sequence change replaces glycine, which is neutral and non-polar, with arginine, which is basic and polar, at codon 437 of the TCF3 protein (p.Gly437Arg). This variant is present in population databases (rs2277754, gnomAD 0.008%). This variant has not been reported in the literature in individuals affected with TCF3-related conditions. ClinVar contains an entry for this variant (Variation ID: 2060688). Invitae Evidence Modeling of protein sequence and biophysical properties (such as structural, functional, and spatial information, amino acid conservation, physicochemical variation, residue mobility, and thermodynamic stability) indicates that this missense variant is not expected to disrupt TCF3 protein function with a negative predictive value of 80%. In summary, the available evidence is currently insufficient to determine the role of this variant in disease. Therefore, it has been classified as a Variant of Uncertain Significance.

Blueprint Genetics
Classification: Likely benign. Last evaluated: 2024-06-24. Review status: criteria provided, single submitter. Criteria: ACMG Guidelines, 2015. Collection method: clinical testing. Allele origin: germline.

NM_003200.5(TCF3):c.1309G>A (p.Gly437Arg)

Gene: TCF3 (transcription factor 3; minus strand). Cytogenetic location: 19p13.3.
Variant type: single nucleotide variant.
Coding change: c.1309G>A on transcript NM_003200.5 (MANE Select); coding-DNA position 1309, G replaced by A.
Protein change: p.Gly437Arg; replaces glycine 437 with arginine.
Molecular consequence: missense variant.
Genome position (GRCh38, 1-based): chr19:1,619,333, C>T on the plus strand (G>A on the coding strand, the complement: TCF3 is on the minus strand). VCF-style: chr19-1619333-C-T. GRCh37 (hg19) VCF-style: chr19-1619332-C-T.
Other names: c.1309G>A, p.Gly437Arg (NM_001136139.4, NM_001351779.2); c.1306G>A, p.Gly436Arg (NM_001351778.2); short protein forms G436R, G437R.
Identifiers: ClinVar variation 2060688 (VCV002060688.5), dbSNP rs2277754, ClinGen allele CA9049941.